The following is an entry in ClinVar:

NM_025114.4(CEP290):c.3461+2_3461+3delinsGT

Gene: CEP290 (centrosomal protein 290; minus strand). Cytogenetic location: 12q21.32.
Variant type: Indel.
Coding change: c.3461+2_3461+3delinsGT on transcript NM_025114.4 (MANE Select); the canonical splice donor site of the intron after coding-DNA position 3461 through 3 bases into the intron after coding-DNA position 3461, TA replaced by GT.
Molecular consequence: splice donor variant.
Genome position (GRCh38, 1-based): chr12:88,092,678-88,092,679, TA replaced by AC on the plus strand (TA replaced by GT on the coding strand, the reverse complement: CEP290 is on the minus strand). VCF-style: chr12-88092678-TA-AC. GRCh37 (hg19) VCF-style: chr12-88486455-TA-AC.
Other names: c.3461+2_3461+3delinsGT (NM_025114.3).
Identifiers: ClinVar variation 3761035 (VCV003761035.4).

ClinVar aggregate classification (germline): Likely pathogenic. Review status: criteria provided, multiple submitters, no conflicts (2 of 4 stars). 3 submissions from 3 submitters: Likely pathogenic (3). Last evaluated 2025-04-16.

Conditions:
CEP290-related disorder. Also called: CEP290-related disorders; CEP290-related condition. Identifiers: MedGen CN239314.
Meckel-Gruber syndrome. Also called: Dysencephalia splachnocystica; DYSENCEPHALIA SPLANCHNOCYSTICA; GRUBER SYNDROME. Identifiers: Orphanet 564, MedGen C0265215, MONDO:0018921.
Joubert syndrome. Also called: Familial aplasia of the vermis; JOUBERT-BOLTSHAUSER SYNDROME. Identifiers: Orphanet 475, MedGen C5979921, MONDO:0018772.
Nephronophthisis. Also called: Juvenile Nephronophthisis. Identifiers: Orphanet 655, MedGen C0687120, MONDO:0019005, HP:0000090.

Submissions (3):

PreventionGenetics, part of Exact Sciences
Classification: Likely pathogenic for CEP290-related condition. Last evaluated: 2025-04-16. Review status: criteria provided, single submitter. Criteria: ACMG Guidelines, 2015. Collection method: clinical testing. Allele origin: germline.
Comment: The CEP290 c.3461+2_3461+3delinsGT variant is predicted to result in an in-frame deletion and insertion. This variant has been reported in an individual with Leber congenital amaurosis (described as c.3461+2TA>GT, Bryant et al. 2018. PubMed ID: 29343940). This variant has not been reported in a large population database (gnomAD), indicating this variant is rare. This variant is interpreted as likely pathogenic.

Labcorp Genetics (formerly Invitae), Labcorp
Classification: Likely pathogenic for Joubert syndrome; Meckel-Gruber syndrome; Nephronophthisis. Last evaluated: 2024-02-11. Review status: criteria provided, single submitter. Criteria: Invitae Variant Classification Sherloc (09022015). Collection method: clinical testing. Allele origin: germline.
Comment: This sequence change affects a splice site in intron 29 of the CEP290 gene. It is expected to disrupt RNA splicing. Variants that disrupt the donor or acceptor splice site typically lead to a loss of protein function (PMID: 16199547), and loss-of-function variants in CEP290 are known to be pathogenic (PMID: 16909394, 17345604, 20690115). Information on the frequency of this variant in the gnomAD database is not available, as this variant may be reported differently in the database. Disruption of this splice site has been observed in individual(s) with leber’s congenital amaurosis (PMID: 29343940). This variant is also known as c.3461+2TA>GT. In summary, the currently available evidence indicates that the variant is pathogenic, but additional data are needed to prove that conclusively. Therefore, this variant has been classified as Likely Pathogenic.

Blueprint Genetics
Classification: Likely pathogenic for CEP290-related disorders. Last evaluated: 2023-09-01. Review status: criteria provided, single submitter. Criteria: ACMG Guidelines, 2015. Collection method: clinical testing. Allele origin: germline. Affected: yes. Observed: 2 variant alleles.

Literature cited by the submitters: PubMed 16199547 (cited by Labcorp Genetics (formerly Invitae), Labcorp); PubMed 16909394 (cited by Labcorp Genetics (formerly Invitae), Labcorp); PubMed 17345604 (cited by Labcorp Genetics (formerly Invitae), Labcorp); PubMed 20690115 (cited by Labcorp Genetics (formerly Invitae), Labcorp); PubMed 29343940 (cited by Labcorp Genetics (formerly Invitae), Labcorp).